The following is an entry in ClinVar:

NM_015909.4(NBAS):c.6289G>A (p.Ala2097Thr)

Gene: NBAS (NBAS subunit of NRZ tethering complex; minus strand). Cytogenetic location: 2p24.3.
Variant type: single nucleotide variant.
Coding change: c.6289G>A on transcript NM_015909.4 (MANE Select); coding-DNA position 6289, G replaced by A.
Protein change: p.Ala2097Thr; replaces alanine 2097 with threonine.
Molecular consequence: missense variant.
Genome position (GRCh38, 1-based): chr2:15,218,916, C>T on the plus strand (G>A on the coding strand, the complement: NBAS is on the minus strand). VCF-style: chr2-15218916-C-T. GRCh37 (hg19) VCF-style: chr2-15359040-C-T.
Other names: short protein forms A2097T.
Identifiers: ClinVar variation 2091439 (VCV002091439.4), dbSNP rs2528182316, ClinGen allele CA345884876.

ClinVar aggregate classification (germline): Uncertain significance (1 of 4 stars; one submission).

Allele frequency attached by ClinVar (database versions not stated): gnomAD exomes 0.00001.
gnomAD v4.1: 7 of 1,614,256 alleles (0.00043%); highest among the groups gnomAD compares: Admixed American, 0.0017%; no homozygotes.

Submission:

Labcorp Genetics (formerly Invitae), Labcorp
Classification: Uncertain significance. Last evaluated: 2025-06-29. Review status: criteria provided, single submitter. Criteria: Invitae Variant Classification Sherloc (09022015). Collection method: clinical testing. Allele origin: germline.
Comment: This sequence change replaces alanine, which is neutral and non-polar, with threonine, which is neutral and polar, at codon 2097 of the NBAS protein (p.Ala2097Thr). This variant is not present in population databases (gnomAD no frequency). This variant has not been reported in the literature in individuals affected with NBAS-related conditions. ClinVar contains an entry for this variant (Variation ID: 2091439). Invitae Evidence Modeling of protein sequence and biophysical properties (such as structural, functional, and spatial information, amino acid conservation, physicochemical variation, residue mobility, and thermodynamic stability) indicates that this missense variant is not expected to disrupt NBAS protein function with a negative predictive value of 95%. In summary, the available evidence is currently insufficient to determine the role of this variant in disease. Therefore, it has been classified as a Variant of Uncertain Significance.